The following is an entry in ClinVar:

ClinVar aggregate classification (germline): Uncertain significance (1 of 4 stars; one submission).

gnomAD v4.1: 6 of 1,596,310 alleles (0.00038%); highest among the groups gnomAD compares: Non-Finnish European, 0.00051%; no homozygotes.

Submission:

Labcorp Genetics (formerly Invitae), Labcorp
Classification: Uncertain significance. Last evaluated: 2024-03-18. Review status: criteria provided, single submitter. Criteria: Invitae Variant Classification Sherloc (09022015). Collection method: clinical testing. Allele origin: germline.
Comment: This sequence change replaces lysine, which is basic and polar, with glutamic acid, which is acidic and polar, at codon 528 of the SEC63 protein (p.Lys528Glu). This variant is not present in population databases (gnomAD no frequency). This variant has not been reported in the literature in individuals affected with SEC63-related conditions. An algorithm developed to predict the effect of missense changes on protein structure and function (PolyPhen-2) suggests that this variant is likely to be tolerated. In summary, the available evidence is currently insufficient to determine the role of this variant in disease. Therefore, it has been classified as a Variant of Uncertain Significance.

NM_007214.5(SEC63):c.1582A>G (p.Lys528Glu)

Gene: SEC63 (SEC63 protein translocation regulator; minus strand). Cytogenetic location: 6q21.
Variant type: single nucleotide variant.
Coding change: c.1582A>G on transcript NM_007214.5 (MANE Select); coding-DNA position 1582, A replaced by G.
Protein change: p.Lys528Glu; replaces lysine 528 with glutamic acid.
Molecular consequence: missense variant.
Genome position (GRCh38, 1-based): chr6:107,893,574, T>C on the plus strand (A>G on the coding strand, the complement: SEC63 is on the minus strand). VCF-style: chr6-107893574-T-C. GRCh37 (hg19) VCF-style: chr6-108214778-T-C.
Other names: short protein forms K528E.
Identifiers: ClinVar variation 3623767 (VCV003623767.2).